The following is an entry in ClinVar:

NM_006886.4(ATP5F1E):c.-7C>G

Genes: SLMO2-ATP5E (SLMO2-ATP5E readthrough; minus strand), ATP5F1E (ATP synthase F1 subunit epsilon; minus strand), LOC130066277 (ATAC-STARR-seq lymphoblastoid active region 18187; plus strand). Cytogenetic location: 20q13.32.
Variant type: single nucleotide variant.
Coding change: c.-7C>G on transcript NM_006886.4 (MANE Select); 7 bases upstream of the start codon, C replaced by G.
Molecular consequence: 5 prime UTR variant.
Genome position (GRCh38, 1-based): chr20:59,032,258, G>C on the plus strand (C>G on the coding strand, the complement: ATP5F1E is on the minus strand). VCF-style: chr20-59032258-G-C. GRCh37 (hg19) VCF-style: chr20-57607313-G-C.
Identifiers: ClinVar variation 136461 (VCV000136461.1), dbSNP rs587780857, ClinGen allele CA289596.

ClinVar aggregate classification (germline): Benign (1 of 4 stars; one submission).

Allele frequency attached by ClinVar (database versions not stated): gnomAD exomes 0.00004 and 0.00023; TOPMed 0.00007; ExAC 0.00009; gnomAD 0.00016.
gnomAD v4.1: 333 of 1,601,464 alleles (0.021%); highest among the groups gnomAD compares: Non-Finnish European, 0.027%; no homozygotes.

Submission:

GeneDx
Classification: Benign. Last evaluated: 2014-04-23. Review status: criteria provided, single submitter. Criteria: GeneDx Variant Classification (06012015). Collection method: clinical testing. Allele origin: germline. Affected: yes.
Comment: This variant is considered likely benign or benign based on one or more of the following criteria: it is a conservative change, it occurs at a poorly conserved position in the protein, it is predicted to be benign by multiple in silico algorithms, and/or has population frequency not consistent with disease.